The following is an entry in ClinVar:

NM_005861.4(STUB1):c.347A>G (p.Asn116Ser)

Gene: STUB1 (STIP1 homology and U-box containing protein 1; plus strand). Cytogenetic location: 16p13.3.
Variant type: single nucleotide variant.
Coding change: c.347A>G on transcript NM_005861.4 (MANE Select); coding-DNA position 347, A replaced by G.
Protein change: p.Asn116Ser; replaces asparagine 116 with serine.
Molecular consequence: missense variant.
Genome position (GRCh38, 1-based): chr16:681,339, A>G. VCF-style: chr16-681339-A-G. GRCh37 (hg19) VCF-style: chr16-731339-A-G.
Other names: c.131A>G, p.Asn44Ser (NM_001293197.2); short protein forms N116S, N44S.
Identifiers: ClinVar variation 2144294 (VCV002144294.4), dbSNP rs775164755, ClinGen allele CA7786556.

ClinVar aggregate classification (germline): Uncertain significance (1 of 4 stars; one submission).

Allele frequency attached by ClinVar (database versions not stated): gnomAD exomes below 0.00001; TOPMed below 0.00001; gnomAD 0.00001; ExAC 0.00002.
gnomAD v4.1: 6 of 1,612,666 alleles (0.00037%); highest among the groups gnomAD compares: Admixed American, 0.0033%; no homozygotes.

Submission:

Labcorp Genetics (formerly Invitae), Labcorp
Classification: Uncertain significance. Last evaluated: 2025-10-06. Review status: criteria provided, single submitter. Criteria: Invitae Variant Classification Sherloc (09022015). Collection method: clinical testing. Allele origin: germline.
Comment: This sequence change replaces asparagine, which is neutral and polar, with serine, which is neutral and polar, at codon 116 of the STUB1 protein (p.Asn116Ser). This variant is present in population databases (rs775164755, gnomAD 0.006%). This variant has not been reported in the literature in individuals affected with STUB1-related conditions. ClinVar contains an entry for this variant (Variation ID: 2144294). Invitae Evidence Modeling of protein sequence and biophysical properties (such as structural, functional, and spatial information, amino acid conservation, physicochemical variation, residue mobility, and thermodynamic stability) indicates that this missense variant is not expected to disrupt STUB1 protein function with a negative predictive value of 80%. In summary, the available evidence is currently insufficient to determine the role of this variant in disease. Therefore, it has been classified as a Variant of Uncertain Significance.